The following is an entry in ClinVar:

NM_002641.4(PIGA):c.568G>A (p.Glu190Lys)

Gene: PIGA (phosphatidylinositol glycan anchor biosynthesis class A; minus strand). Cytogenetic location: Xp22.2.
Variant type: single nucleotide variant.
Coding change: c.568G>A on transcript NM_002641.4 (MANE Select); coding-DNA position 568, G replaced by A.
Protein change: p.Glu190Lys; replaces glutamic acid 190 with lysine.
Molecular consequence: missense variant. On other transcripts: intron variant (1).
Genome position (GRCh38, 1-based): chrX:15,331,363, C>T on the plus strand (G>A on the coding strand, the complement: PIGA is on the minus strand). VCF-style: chrX-15331363-C-T. GRCh37 (hg19) VCF-style: chrX-15349485-C-T.
Other names: c.13+4138G>A (NM_020473.3); short protein forms E190K.
Identifiers: ClinVar variation 1018113 (VCV001018113.9), dbSNP rs1922149223, ClinGen allele CA412339096.

ClinVar aggregate classification (germline): Uncertain significance (1 of 4 stars; one submission).

Conditions:
Multiple congenital anomalies-hypotonia-seizures syndrome 2 (MCAHS2). Also called: EPILEPTIC ENCEPHALOPATHY, EARLY INFANTILE, 20; GLYCOSYLPHOSPHATIDYLINOSITOL BIOSYNTHESIS DEFECT 4. Identifiers: Orphanet 300496, MedGen C3275508, MONDO:0010466, OMIM 300868.

Submission:

Labcorp Genetics (formerly Invitae), Labcorp
Classification: Uncertain significance for Multiple congenital anomalies-hypotonia-seizures syndrome 2. Last evaluated: 2025-02-24. Review status: criteria provided, single submitter. Criteria: Invitae Variant Classification Sherloc (09022015). Collection method: clinical testing. Allele origin: germline.
Comment: This sequence change replaces glutamic acid, which is acidic and polar, with lysine, which is basic and polar, at codon 190 of the PIGA protein (p.Glu190Lys). This variant is not present in population databases (gnomAD no frequency). This variant has not been reported in the literature in individuals affected with PIGA-related conditions. ClinVar contains an entry for this variant (Variation ID: 1018113). Invitae Evidence Modeling of protein sequence and biophysical properties (such as structural, functional, and spatial information, amino acid conservation, physicochemical variation, residue mobility, and thermodynamic stability) has been performed for this missense variant. However, the output from this modeling did not meet the statistical confidence thresholds required to predict the impact of this variant on PIGA protein function. In summary, the available evidence is currently insufficient to determine the role of this variant in disease. Therefore, it has been classified as a Variant of Uncertain Significance.